The following is an entry in ClinVar:

NM_001282933.2(ZNF341):c.634C>T (p.Pro212Ser)

Gene: ZNF341 (zinc finger protein 341; plus strand). Cytogenetic location: 20q11.22.
Variant type: single nucleotide variant.
Coding change: c.634C>T on transcript NM_001282933.2 (MANE Select); coding-DNA position 634, C replaced by T.
Protein change: p.Pro212Ser; replaces proline 212 with serine.
Molecular consequence: missense variant. On other transcripts: non-coding transcript variant (1).
Genome position (GRCh38, 1-based): chr20:33,753,316, C>T. VCF-style: chr20-33753316-C-T. GRCh37 (hg19) VCF-style: chr20-32341122-C-T.
Other names: c.364C>T, p.Pro122Ser (NM_001282935.2); c.634C>T, p.Pro212Ser (NM_032819.5); short protein forms P122S, P212S.
Identifiers: ClinVar variation 1419225 (VCV001419225.8), dbSNP rs2122664811, ClinGen allele CA408649878.

ClinVar aggregate classification (germline): Uncertain significance (1 of 4 stars; one submission).

gnomAD v4.1: 2 of 1,611,874 alleles (0.00012%); highest among the groups gnomAD compares: Admixed American, 0.0034%; no homozygotes.

Submission:

Labcorp Genetics (formerly Invitae), Labcorp
Classification: Uncertain significance. Last evaluated: 2024-10-28. Review status: criteria provided, single submitter. Criteria: Invitae Variant Classification Sherloc (09022015). Collection method: clinical testing. Allele origin: germline.
Comment: This sequence change replaces proline, which is neutral and non-polar, with serine, which is neutral and polar, at codon 212 of the ZNF341 protein (p.Pro212Ser). This variant is not present in population databases (gnomAD no frequency). This variant has not been reported in the literature in individuals affected with ZNF341-related conditions. ClinVar contains an entry for this variant (Variation ID: 1419225). An algorithm developed to predict the effect of missense changes on protein structure and function (PolyPhen-2) suggests that this variant is likely to be tolerated. In summary, the available evidence is currently insufficient to determine the role of this variant in disease. Therefore, it has been classified as a Variant of Uncertain Significance.